The following is an entry in ClinVar:

NM_003742.4(ABCB11):c.2316T>G (p.Tyr772Ter)

Gene: ABCB11 (ATP binding cassette subfamily B member 11; minus strand). Cytogenetic location: 2q31.1.
Variant type: single nucleotide variant.
Coding change: c.2316T>G on transcript NM_003742.4 (MANE Select); coding-DNA position 2316, T replaced by G.
Protein change: p.Tyr772Ter; replaces tyrosine 772 with a stop codon.
Molecular consequence: nonsense.
Genome position (GRCh38, 1-based): chr2:168,957,991, A>C on the plus strand (T>G on the coding strand, the complement: ABCB11 is on the minus strand). VCF-style: chr2-168957991-A-C. GRCh37 (hg19) VCF-style: chr2-169814501-A-C.
Other names: short protein forms Y772*.
Identifiers: ClinVar variation 2679806 (VCV002679806.10), dbSNP rs1371940395, ClinGen allele CA349106719.
Genomic context (GRCh38, chr2:168,957,991, plus strand): 5'-AGAAGAAGAAAGCTAGTCCAGCTGTGTACTTACCCCAAGAATCTGGCTGAATAAAAAGGC[A>C]TACAAGGGTGTGACTGTCCCGTTCACAGCTGCACCCACAGACCCTACCAGCATGTAGGGC-3'

ClinVar aggregate classification (germline): Pathogenic/Likely pathogenic. Review status: criteria provided, multiple submitters, no conflicts (2 of 4 stars). 7 submissions from 7 submitters: Pathogenic (6); Likely pathogenic (1). Last evaluated 2026-04-14.

Conditions:
Familial intrahepatic cholestasis. Identifiers: Orphanet 284385, MedGen CN296401, MONDO:0017290.
Benign recurrent intrahepatic cholestasis type 2 (BRIC2). Also called: Recurrent familial intrahepatic cholestasis 2. Identifiers: Orphanet 65682, Orphanet 99961, MedGen C2608083, MONDO:0011559, OMIM 605479.
Progressive familial intrahepatic cholestasis type 2. Identifiers: Orphanet 79304, MedGen C3489789, MONDO:0011156, OMIM 601847.
ABCB11-related disorder. Also called: ABCB11-related condition.

Allele frequency attached by ClinVar (database versions not stated): gnomAD 0.00001.
gnomAD v4.1: 1 of 1,599,880 alleles (0.000063%); highest among the groups gnomAD compares: Non-Finnish European, 0.000086%; no homozygotes.

Submissions (7):

Genomenon, Inc
Classification: Pathogenic for Familial intrahepatic cholestasis. Last evaluated: 2026-04-14. Review status: criteria provided, single submitter. Criteria: Genomenon Sequence Variant Interpretation Standards - Updated. Collection method: curation. Allele origin: germline. Affected: yes.
Comment: ABCB11 p.Tyr772Ter (c.2316T>G) is a nonsense variant that introduces a premature stop codon at amino acid position 772, creating a truncated protein that is predicted to undergo nonsense-mediated mRNA decay. This variant has been observed in at least one proband with an ABCB11-related disorder (PMID:16871584). It is absent or not present at a significant frequency in gnomAD. In conclusion, we classify ABCB11 p.Tyr772Ter (c.2316T>G) as a pathogenic variant.

Natera, Inc.
Classification: Pathogenic for Progressive familial intrahepatic cholestasis type 2. Last evaluated: 2025-08-06. Review status: criteria provided, single submitter. Criteria: Natera Variant Classification Schema (03/2026). Collection method: clinical testing. Allele origin: germline.
Comment: The c.2316T>G variant in ABCB11 is a nonsense variant predicted to introduce a stop codon at amino acid 772. This variant is expected to result in nonsense mediated decay, truncation, or a dysfunctional protein product. This variant is rare in the general population with a frequency below the threshold expected for the associated phenotype(s). This variant has been observed in one or more individuals affected with the associated recessive disease, as either homozygous or compound heterozygous with a second variant (PMID: 16871584). Given the available evidence, this variant is classified as Pathogenic.

Broad Center for Mendelian Genomics, Broad Institute of MIT and Harvard
Classification: Likely pathogenic for Progressive familial intrahepatic cholestasis type 2. Last evaluated: 2025-01-24. Review status: criteria provided, single submitter. Criteria: ACMG Guidelines, 2015. Collection method: curation. Allele origin: germline. Inheritance: Autosomal recessive inheritance.
Comment: The p.Tyr772Ter variant in ABCB11 has been reported in one individual, in the homozygous state, with BSEP deficiency (PMID: 16871584), and has been identified in 0.00009% (1/1169454) of European (non-Finnish) chromosomes by the Genome Aggregation Database (gnomAD; dbSNP rs1371940395). Although this variant has been seen in the general population in a heterozygous state, its frequency is low enough to be consistent with a recessive carrier frequency. This nonsense variant leads to a premature termination codon at position 772, which is predicted to lead to a truncated or absent protein. Computational tools predict a splicing impact of in-frame exon skipping, though this information is not predictive enough to determine/rule out pathogenicity. Therefore, this variant is more likely to escape nonsense mediated decay (NMD) and result in a truncated protein. Loss of function of the ABCB11 gene is an established disease mechanism in autosomal recessive BSEP deficiency. In summary, although additional studies are required to fully establish its clinical significance, this variant is likely pathogenic for autosomal recessive BSEP deficiency. ACMG/AMP Criteria applied: PVS1_strong, PM2_supporting, PM3_supporting (Richards 2015).

Blueprint Genetics
Classification: Pathogenic for ABCB11-related disorders. Last evaluated: 2024-02-07. Review status: criteria provided, single submitter. Criteria: ACMG Guidelines, 2015. Collection method: clinical testing. Allele origin: germline. Affected: yes. Observed: 1 variant allele.

Labcorp Genetics (formerly Invitae), Labcorp
Classification: Pathogenic. Last evaluated: 2024-02-02. Review status: criteria provided, single submitter. Criteria: Invitae Variant Classification Sherloc (09022015). Collection method: clinical testing. Allele origin: germline.
Comment: This sequence change creates a premature translational stop signal (p.Tyr772*) in the ABCB11 gene. It is expected to result in an absent or disrupted protein product. Loss-of-function variants in ABCB11 are known to be pathogenic (PMID: 18395098, 20232290). This variant is present in population databases (no rsID available, gnomAD 0.007%). This premature translational stop signal has been observed in individual(s) with progressive familial intrahepatic cholestasis (PMID: 16871584). Algorithms developed to predict the effect of sequence changes on RNA splicing suggest that this variant may disrupt the consensus splice site. For these reasons, this variant has been classified as Pathogenic.

Baylor Genetics
Classification: Pathogenic for Benign recurrent intrahepatic cholestasis type 2. Last evaluated: 2023-09-13. Review status: criteria provided, single submitter. Criteria: ACMG Guidelines, 2015. Collection method: clinical testing. Allele origin: unknown.

Juno Genomics, Hangzhou Juno Genomics, Inc
Classification: Pathogenic for Benign recurrent intrahepatic cholestasis type 2; Progressive familial intrahepatic cholestasis type 2. Review status: criteria provided, single submitter. Criteria: ACMG Guidelines, 2015. Collection method: clinical testing. Allele origin: germline.
Comment: Absent from controls (or at extremely low frequency if recessive) in Genome Aggregation Database.;Null variant in a gene where loss of function (LOF) is a known mechanism of disease.;For recessive disorders, detected in trans with a pathogenic variant.

Literature cited by the submitters: PubMed 16871584 (cited by 3 submitters); PubMed 18395098 (cited by Labcorp Genetics (formerly Invitae), Labcorp); PubMed 20232290 (cited by Labcorp Genetics (formerly Invitae), Labcorp).